The following is an entry in ClinVar:

ClinVar aggregate classification (germline): Uncertain significance. Review status: criteria provided, multiple submitters, no conflicts (2 of 4 stars). 2 submissions from 2 submitters: Uncertain significance (2). Last evaluated 2026-01-08.

Conditions:
Epidermolysis bullosa simplex 3, localized or generalized intermediate, with BP230 deficiency (EBS3). Also called: Epidermolysis bullosa simplex due to BP230 deficiency; Epidermolysis bullosa simplex, autosomal recessive 2. Identifiers: Orphanet 412181, MedGen C3809470, MONDO:0014180, OMIM 615425.
Hereditary sensory and autonomic neuropathy type 6. Also called: HSAN VI; Neuropathy, hereditary sensory and autonomic, type VI. Identifiers: Orphanet 314381, MedGen C3539003, MONDO:0013839, OMIM 614653.

Allele frequency attached by ClinVar (database versions not stated): ExAC 0.00001; gnomAD exomes 0.00004 and 0.00009; gnomAD 0.00008 and 0.00009; TOPMed 0.00019.
gnomAD v4.1: 74 of 1,613,436 alleles (0.0046%); highest among the groups gnomAD compares: Admixed American, 0.07%; no homozygotes.

Submissions (2):

Labcorp Genetics (formerly Invitae), Labcorp
Classification: Uncertain significance for Epidermolysis bullosa simplex 3, localized or generalized intermediate, with BP230 deficiency; Hereditary sensory and autonomic neuropathy type 6. Last evaluated: 2026-01-08. Review status: criteria provided, single submitter. Criteria: Invitae Variant Classification Sherloc (09022015). Collection method: clinical testing. Allele origin: germline.
Comment: The DST gene has multiple clinically relevant transcripts. This variant occurs in alternate transcript NM_015548.4, and corresponds to NM_001723.5:c.*132811C>T in the primary transcript. This sequence change replaces arginine, which is basic and polar, with tryptophan, which is neutral and slightly polar, at codon 4504 of the DST protein (p.Arg4504Trp). This variant is present in population databases (rs749154692, gnomAD 0.06%). This variant has not been reported in the literature in individuals affected with DST-related conditions. ClinVar contains an entry for this variant (Variation ID: 1056652). Experimental studies and prediction algorithms are not available or were not evaluated, and the functional significance of this variant is currently unknown. In summary, the available evidence is currently insufficient to determine the role of this variant in disease. Therefore, it has been classified as a Variant of Uncertain Significance.

GeneDx
Classification: Uncertain significance. Last evaluated: 2023-11-18. Review status: criteria provided, single submitter. Criteria: GeneDx Variant Classification Process June 2021. Collection method: clinical testing. Allele origin: germline. Affected: yes.
Comment: In silico analysis supports that this missense variant has a deleterious effect on protein structure/function; Has not been previously published as pathogenic or benign to our knowledge; Reported using an alternate transcript (non-epithelial isoform) of the gene

NM_001374736.1(DST):c.21379C>T (p.Arg7127Trp)

Gene: DST (dystonin; minus strand). Cytogenetic location: 6p12.1.
Variant type: single nucleotide variant.
Coding change: c.21379C>T on transcript NM_001374736.1 (MANE Select); coding-DNA position 21379, C replaced by T.
Protein change: p.Arg7127Trp; replaces arginine 7127 with tryptophan.
Molecular consequence: missense variant.
Genome position (GRCh38, 1-based): chr6:56,482,706, G>A on the plus strand (C>T on the coding strand, the complement: DST is on the minus strand). VCF-style: chr6-56482706-G-A. GRCh37 (hg19) VCF-style: chr6-56347504-G-A.
Other names: c.15022C>T, p.Arg5008Trp (NM_001144769.5); c.14608C>T, p.Arg4870Trp (NM_001144770.2); c.21379C>T, p.Arg7127Trp (NM_001374722.1); c.20419C>T, p.Arg6807Trp (NM_001374729.1); c.14161C>T, p.Arg4721Trp (NM_001374730.1); c.21406C>T, p.Arg7136Trp (NM_001374734.1); c.14488C>T, p.Arg4830Trp (NM_001386100.1, NM_183380.4); c.13510C>T, p.Arg4504Trp (NM_015548.5); short protein forms R4504W, R4721W, R4830W, R4870W, R5008W, R6807W, R7127W, R7136W.
Identifiers: ClinVar variation 1056652 (VCV001056652.7), dbSNP rs749154692, ClinGen allele CA3866525.